The following is an entry in ClinVar:

ClinVar aggregate classification (germline): Likely benign (0 of 4 stars; one submission).

Conditions:
ATP8B1-related disorder. Also called: ATP8B1-related disorders; ATP8B1-related condition.

Allele frequency attached by ClinVar (database versions not stated): gnomAD exomes 0.00003.
gnomAD v4.1: 25 of 1,002,044 alleles (0.0025%); highest among the groups gnomAD compares: Non-Finnish European, 0.0036%; no homozygotes.

Submission:

PreventionGenetics, part of Exact Sciences
Classification: Likely benign for ATP8B1-related condition. Last evaluated: 2023-10-04. Review status: no assertion criteria provided. Collection method: clinical testing. Allele origin: germline.
Comment: This variant is classified as likely benign based on ACMG/AMP sequence variant interpretation guidelines (Richards et al. 2015 PMID: 25741868, with internal and published modifications).

NM_001374385.1(ATP8B1):c.2103G>A (p.Leu701=)

Genes: ATP8B1-AS1 (ATP8B1 antisense RNA 1; plus strand), ATP8B1 (ATPase phospholipid transporting 8B1; minus strand). Cytogenetic location: 18q21.31.
Variant type: single nucleotide variant.
Coding change: c.2103G>A on transcript NM_001374385.1 (MANE Select); coding-DNA position 2103, G replaced by A.
Protein change: p.Leu701=; no amino-acid change (leucine 701 retained).
Molecular consequence: synonymous variant. On other transcripts: non-coding transcript variant (1).
Genome position (GRCh38, 1-based): chr18:57,668,535, C>T on the plus strand (G>A on the coding strand, the complement: ATP8B1 is on the minus strand). VCF-style: chr18-57668535-C-T. GRCh37 (hg19) VCF-style: chr18-55335767-C-T.
Other names: c.1953G>A, p.Leu651= (NM_001374386.1); c.2103G>A, p.Leu701= (NM_005603.6).
Identifiers: ClinVar variation 3058589 (VCV003058589.2), dbSNP rs2511685179, ClinGen allele CA504020468.
Genomic context (GRCh38, chr18:57,668,535, plus strand): 5'-AAGTTTTGAAATGGTTTCTGGAACTCCATCCTGTAGCTTGTCTTCAATAGCTGTAGCTCC[C>T]AGGAGCTAGAATGTATATTAAAAAAAAAAAAAAAAGGAATTAGCAAACAAACCAAAAGTT-3'
Protein context (NP_001361314.1, residues 691-711): YEEIEKDLIL[Leu701=]GATAIEDKLQ